The following is an entry in ClinVar:

ClinVar aggregate classification (germline): Benign/Likely benign. Review status: criteria provided, multiple submitters, no conflicts (2 of 4 stars). 4 submissions from 4 submitters: Benign (1); Likely benign (3). Last evaluated 2026-01-05.

Conditions:
Brugada syndrome. Also called: Sudden unexpected nocturnal death syndrome; Sudden Unexplained Death Syndrome; Sudden Unexplained Nocturnal Death Syndrome (SUNDS); Sudden unexplained nocturnal death syndrome. Identifiers: Orphanet 130, MedGen C1142166, MONDO:0015263.

Allele frequency attached by ClinVar (database versions not stated): ExAC 0.00051; 1000 Genomes Project 30x 0.00156; 1000 Genomes Project 0.00180; gnomAD 0.00012 and 0.00023; TOPMed 0.00032.
gnomAD v4.1: 587 of 1,610,786 alleles (0.036%); highest among the groups gnomAD compares: East Asian, 0.9%; 8 homozygotes.

Submissions (4):

Labcorp Genetics (formerly Invitae), Labcorp
Classification: Benign for Brugada syndrome. Last evaluated: 2026-01-05. Review status: criteria provided, single submitter. Criteria: Invitae Variant Classification Sherloc (09022015). Collection method: clinical testing. Allele origin: germline.

Blueprint Genetics
Classification: Likely benign. Last evaluated: 2024-10-29. Review status: criteria provided, single submitter. Criteria: ACMG Guidelines, 2015. Collection method: clinical testing. Allele origin: germline.

GeneDx
Classification: Likely benign. Last evaluated: 2018-02-07. Review status: criteria provided, single submitter. Criteria: GeneDx Variant Classification (06012015). Collection method: clinical testing. Allele origin: germline. Affected: yes.
Comment: This variant is considered likely benign or benign based on one or more of the following criteria: it is a conservative change, it occurs at a poorly conserved position in the protein, it is predicted to be benign by multiple in silico algorithms, and/or has population frequency not consistent with disease.

Breakthrough Genomics
Classification: Likely benign. Review status: criteria provided, single submitter. Criteria: ACMG Guidelines, 2015. Collection method: not provided. Allele origin: germline. Inheritance: Autosomal recessive inheritance. Affected: yes.

NM_000722.4(CACNA2D1):c.728+13A>C

Gene: CACNA2D1 (calcium voltage-gated channel auxiliary subunit alpha2delta 1; minus strand). Cytogenetic location: 7q21.11.
Variant type: single nucleotide variant.
Coding change: c.728+13A>C on transcript NM_000722.4 (MANE Select); 13 bases into the intron after coding-DNA position 728, A replaced by C.
Molecular consequence: intron variant.
Genome position (GRCh38, 1-based): chr7:82,066,442, T>G on the plus strand (A>C on the coding strand, the complement: CACNA2D1 is on the minus strand). VCF-style: chr7-82066442-T-G. GRCh37 (hg19) VCF-style: chr7-81695758-T-G.
Other names: c.728+13A>C (NM_001366867.1, NM_001302890.2, LRG_437t1).
Identifiers: ClinVar variation 515253 (VCV000515253.11), dbSNP rs149406906, ClinGen allele CA4318257.